The following is an entry in ClinVar:

NM_032043.3(BRIP1):c.2493-17T>C

Gene: BRIP1 (BRCA1 interacting DNA helicase 1; minus strand). Cytogenetic location: 17q23.2.
Variant type: single nucleotide variant.
Coding change: c.2493-17T>C on transcript NM_032043.3 (MANE Select); 17 bases into the intron before coding-DNA position 2493, T replaced by C.
Molecular consequence: intron variant.
Genome position (GRCh38, 1-based): chr17:61,693,529, A>G on the plus strand (T>C on the coding strand, the complement: BRIP1 is on the minus strand). VCF-style: chr17-61693529-A-G. GRCh37 (hg19) VCF-style: chr17-59770890-A-G.
Identifiers: ClinVar variation 2926425 (VCV002926425.4), dbSNP rs2544605373, ClinGen allele CA2639154530.

ClinVar aggregate classification (germline): Likely benign. Review status: criteria provided, multiple submitters, no conflicts (2 of 4 stars). 2 submissions from 2 submitters: Likely benign (2). Last evaluated 2024-09-05.

Conditions:
Familial cancer of breast. Also called: Hereditary breast cancer; hereditary breast carcinoma; BREAST CANCER, FAMILIAL. Identifiers: Orphanet 227535, MedGen C0346153, MONDO:0016419, OMIM 114480. Disease mechanism: loss of function.
Fanconi anemia complementation group J. Also called: BRIP1-Related Fanconi Anemia. Identifiers: Orphanet 84, MedGen C1836860, MONDO:0012187, OMIM 609054.

Allele frequency attached by ClinVar (database versions not stated): gnomAD exomes below 0.00001.
gnomAD v4.1: 3 of 1,583,556 alleles (0.00019%); highest among the groups gnomAD compares: Middle Eastern, 0.017%; no homozygotes.

Submissions (2):

Myriad Genetics, Inc.
Classification: Likely benign for Familial cancer of breast. Last evaluated: 2024-09-05. Review status: criteria provided, single submitter. Criteria: Myriad Autosomal Dominant, Autosomal Recessive and X-Linked Classification Criteria (2023). Collection method: clinical testing. Allele origin: unknown.
Comment: This variant is considered likely benign. This variant is intronic and is not expected to impact mRNA splicing.

Labcorp Genetics (formerly Invitae), Labcorp
Classification: Likely benign for Familial cancer of breast; Fanconi anemia complementation group J. Last evaluated: 2023-12-13. Review status: criteria provided, single submitter. Criteria: Invitae Variant Classification Sherloc (09022015). Collection method: clinical testing. Allele origin: germline.